The following is an entry in ClinVar:

NM_000975.5(RPL11):c.-7C>T

Genes: RPL11 (ribosomal protein L11; plus strand), LOC129929673 (ATAC-STARR-seq lymphoblastoid active region 374; plus strand). Cytogenetic location: 1p36.11.
Variant type: single nucleotide variant.
Coding change: c.-7C>T on transcript NM_000975.5 (MANE Select); 7 bases upstream of the start codon, C replaced by T.
Molecular consequence: 5 prime UTR variant.
Genome position (GRCh38, 1-based): chr1:23,691,817, C>T. VCF-style: chr1-23691817-C-T. GRCh37 (hg19) VCF-style: chr1-24018307-C-T.
Other names: c.-7C>T (NM_001199802.1).
Identifiers: ClinVar variation 3040903 (VCV003040903.2), dbSNP rs202059289, ClinGen allele CA684107.
Genomic context (GRCh38, chr1:23,691,817, plus strand): 5'-AAGAGCCCGCCTCCTGGCCCATAAGGCCCTCGGCCGGAAGCTCCGCTTTCTCTTCCTGCT[C>T]TCCATCATGGCGGTGAGTAGCTGGGACCTGGATTTGCTTTCCTTTATCCGTCGCCATCCA-3'

ClinVar aggregate classification (germline): Likely benign (0 of 4 stars; one submission).

Conditions:
RPL11-related disorder. Also called: RPL11-related condition.

Allele frequency attached by ClinVar (database versions not stated): gnomAD exomes 0.00005; ExAC 0.00017; gnomAD 0.00063; TOPMed 0.00063; ESP Exome Variant Server 0.00077; 1000 Genomes Project 30x 0.00078; 1000 Genomes Project 0.00080.

Submission:

PreventionGenetics, part of Exact Sciences
Classification: Likely benign for RPL11-related condition. Last evaluated: 2023-05-30. Review status: no assertion criteria provided. Collection method: clinical testing. Allele origin: germline.
Comment: This variant is classified as likely benign based on ACMG/AMP sequence variant interpretation guidelines (Richards et al. 2015 PMID: 25741868, with internal and published modifications).